The following is an entry in ClinVar:

ClinVar aggregate classification (germline): Pathogenic (1 of 4 stars; one submission).

Submission:

Labcorp Genetics (formerly Invitae), Labcorp
Classification: Pathogenic. Last evaluated: 2023-10-25. Review status: criteria provided, single submitter. Criteria: Invitae Variant Classification Sherloc (09022015). Collection method: clinical testing. Allele origin: germline.
Comment: This variant is a gross deletion of the genomic region encompassing exon(s) 1-10 of the PYROXD1 gene, which includes the initiator codon. This deletion extends beyond the assayed region for this gene and therefore may encompass additional genes. It is expected to result in an absent or disrupted protein product. Loss-of-function variants in PYROXD1 are known to be pathogenic (PMID: 27745833). This variant has not been reported in the literature in individuals affected with PYROXD1-related conditions. For these reasons, this variant has been classified as Pathogenic.

Literature cited by the submitters: PubMed 27745833.

NC_000012.11:g.(?_21590665)_(21615816_?)del

Gene: PYROXD1 (pyridine nucleotide-disulphide oxidoreductase domain 1; plus strand). Cytogenetic location: 12p12.1.
Variant type: Deletion.
Identifiers: ClinVar variation 1460467 (VCV001460467.4).